The following is an entry in ClinVar:

NM_006648.4(WNK2):c.5244C>G (p.Phe1748Leu)

Gene: WNK2 (WNK lysine deficient protein kinase 2; plus strand). Cytogenetic location: 9q22.31.
Variant type: single nucleotide variant.
Coding change: c.5244C>G on transcript NM_006648.4 (MANE Select); coding-DNA position 5244, C replaced by G.
Protein change: p.Phe1748Leu; replaces phenylalanine 1748 with leucine.
Molecular consequence: missense variant.
Genome position (GRCh38, 1-based): chr9:93,292,709, C>G. VCF-style: chr9-93292709-C-G. GRCh37 (hg19) VCF-style: chr9-96054991-C-G.
Other names: c.5355C>G, p.Phe1785Leu (NM_001282394.3); short protein forms F1748L, F1785L.
Identifiers: ClinVar variation 5031922 (VCV005031922.1).

ClinVar aggregate classification (germline): Uncertain significance (1 of 4 stars; one submission).

gnomAD v4.1: 3 of 1,566,652 alleles (0.00019%); highest among the groups gnomAD compares: Non-Finnish European, 0.00026%; no homozygotes.

Submission:

Ambry Genetics
Classification: Uncertain significance. Last evaluated: 2026-08-11. Review status: criteria provided, single submitter. Criteria: Ambry Variant Classification Scheme 2023. Collection method: clinical testing. Allele origin: germline.
Comment: The p.F1748L variant (also known as c.5244C>G), located in coding exon 22 of the WNK2 gene, results from a C to G substitution at nucleotide position 5244. The phenylalanine at codon 1748 is replaced by leucine, an amino acid with highly similar properties. This amino acid position is conserved. In addition, the in silico prediction for this alteration is inconclusive. Based on the available evidence, the clinical significance of this variant remains unclear.